The following is an entry in ClinVar:

NM_006514.4(SCN10A):c.4178A>G (p.Tyr1393Cys)

Gene: SCN10A (sodium voltage-gated channel alpha subunit 10; minus strand). Cytogenetic location: 3p22.2.
Variant type: single nucleotide variant.
Coding change: c.4178A>G on transcript NM_006514.4 (MANE Select); coding-DNA position 4178, A replaced by G.
Protein change: p.Tyr1393Cys; replaces tyrosine 1393 with cysteine.
Molecular consequence: missense variant.
Genome position (GRCh38, 1-based): chr3:38,709,581, T>C on the plus strand (A>G on the coding strand, the complement: SCN10A is on the minus strand). VCF-style: chr3-38709581-T-C. GRCh37 (hg19) VCF-style: chr3-38751072-T-C.
Other names: c.4175A>G, p.Tyr1392Cys (NM_001293306.2); c.3884A>G, p.Tyr1295Cys (NM_001293307.2); short protein forms Y1392C, Y1393C, Y1295C.
Identifiers: ClinVar variation 3438128 (VCV003438128.1).

ClinVar aggregate classification (germline): Uncertain significance (1 of 4 stars; one submission).

Conditions:
Cardiovascular phenotype. Identifiers: MedGen CN230736.

gnomAD v4.1: 4 of 1,611,110 alleles (0.00025%); highest among the groups gnomAD compares: Non-Finnish European, 0.00034%; no homozygotes.

Submission:

Ambry Genetics
Classification: Uncertain significance for Cardiovascular phenotype. Last evaluated: 2024-10-14. Review status: criteria provided, single submitter. Criteria: Ambry Variant Classification Scheme 2023. Collection method: clinical testing. Allele origin: germline.
Comment: The p.Y1393C variant (also known as c.4178A>G), located in coding exon 24 of the SCN10A gene, results from an A to G substitution at nucleotide position 4178. The tyrosine at codon 1393 is replaced by cysteine, an amino acid with highly dissimilar properties. This amino acid position is conserved. In addition, this alteration is predicted to be deleterious by in silico analysis. Based on the available evidence, the clinical significance of this variant remains unclear.